The following is an entry in ClinVar:

NM_003681.5(PDXK):c.142+3058C>T

Gene: PDXK (pyridoxal kinase; plus strand). Cytogenetic location: 21q22.3.
Variant type: single nucleotide variant.
Coding change: c.142+3058C>T on transcript NM_003681.5 (MANE Select); 3058 bases into the intron after coding-DNA position 142, C replaced by T.
Molecular consequence: intron variant.
Genome position (GRCh38, 1-based): chr21:43,737,181, C>T. VCF-style: chr21-43737181-C-T. GRCh37 (hg19) VCF-style: chr21-45157062-C-T.
Identifiers: ClinVar variation 1176767 (VCV001176767.36), dbSNP rs139180868, ClinGen allele CA321683017.
Genomic context (GRCh38, chr21:43,737,181, plus strand): 5'-TGGTCACGTGGGCAGCTTCTGCCTGGGATGGGCCACAAAGCCAGACTCCCGGCAGGGACA[C>T]GGGTGTTCCACACAAGCTGCGTTGTTGGTTCCCTGACGCCCTTCAGGCTGGGGGGTGGGA-3'

ClinVar aggregate classification (germline): Likely benign. Review status: criteria provided, multiple submitters, no conflicts (2 of 4 stars). 2 submissions from 2 submitters: Likely benign (2). Last evaluated 2026-08-01.

Allele frequency attached by ClinVar (database versions not stated): ESP Exome Variant Server 0.00416; gnomAD exomes 0.00609; 1000 Genomes Project 30x 0.00094; 1000 Genomes Project 0.00100; TOPMed 0.00312; gnomAD 0.00353 and 0.00360.

Submissions (2):

CeGaT Center for Human Genetics Tuebingen
Classification: Likely benign. Last evaluated: 2026-08-01. Review status: criteria provided, single submitter. Criteria: CeGaT Center For Human Genetics Tuebingen Variant Classification Criteria Version 2. Collection method: clinical testing. Allele origin: germline. Affected: yes. Observed: 9 variant alleles.
Comment: PDXK: BS2

Blueprint Genetics
Classification: Likely benign. Last evaluated: 2023-03-17. Review status: criteria provided, single submitter. Criteria: ACMG Guidelines, 2015. Collection method: clinical testing. Allele origin: germline.